The following is an entry in ClinVar:

ClinVar aggregate classification (germline): Uncertain significance (1 of 4 stars; one submission).

Conditions:
Familial thoracic aortic aneurysm and aortic dissection (TAAD). Also called: Thoracic aortic aneurysms and dissections. Identifiers: Orphanet 91387, MedGen C4707243, MONDO:0019625.

Submission:

Labcorp Genetics (formerly Invitae), Labcorp
Classification: Uncertain significance for Familial thoracic aortic aneurysm and aortic dissection. Last evaluated: 2025-12-15. Review status: criteria provided, single submitter. Criteria: Invitae Variant Classification Sherloc (09022015). Collection method: clinical testing. Allele origin: germline.
Comment: This sequence change replaces cysteine, which is neutral and slightly polar, with serine, which is neutral and polar, at codon 100 of the TGFBR1 protein (p.Cys100Ser). This variant is not present in population databases (gnomAD no frequency). This variant has not been reported in the literature in individuals affected with TGFBR1-related conditions. Invitae Evidence Modeling of protein sequence and biophysical properties (such as structural, functional, and spatial information, amino acid conservation, physicochemical variation, residue mobility, and thermodynamic stability) indicates that this missense variant is expected to disrupt TGFBR1 protein function with a positive predictive value of 80%. In summary, the available evidence is currently insufficient to determine the role of this variant in disease. Therefore, it has been classified as a Variant of Uncertain Significance.

NM_004612.4(TGFBR1):c.299G>C (p.Cys100Ser)

Gene: TGFBR1 (transforming growth factor beta receptor 1; plus strand). Cytogenetic location: 9q22.33.
Variant type: single nucleotide variant.
Coding change: c.299G>C on transcript NM_004612.4 (MANE Select); coding-DNA position 299, G replaced by C.
Protein change: p.Cys100Ser; replaces cysteine 100 with serine.
Molecular consequence: missense variant. On other transcripts: non-coding transcript variant (4), intron variant (3).
Genome position (GRCh38, 1-based): chr9:99,129,056, G>C. VCF-style: chr9-99129056-G-C. GRCh37 (hg19) VCF-style: chr9-101891338-G-C.
Other names: c.299G>C, p.Cys100Ser (NM_001130916.3, NM_001306210.2, NM_001407416.1 and 2 more transcripts); c.92G>C, p.Cys31Ser (NM_001407418.1, NM_001407419.1, NM_001407420.1 and 12 more transcripts); c.98-3453G>C (NM_001407436.1); c.98-8803G>C (NM_001407438.1); c.98-13480G>C (NM_001407437.1); short protein forms C31S, C100S.
Identifiers: ClinVar variation 4740643 (VCV004740643.1).